The following is an entry in ClinVar:

NM_001267550.2(TTN):c.8641A>C (p.Thr2881Pro)

Gene: TTN (titin; minus strand). Cytogenetic location: 2q31.2.
Variant type: single nucleotide variant.
Coding change: c.8641A>C on transcript NM_001267550.2 (MANE Select); coding-DNA position 8641, A replaced by C.
Protein change: p.Thr2881Pro; replaces threonine 2881 with proline.
Molecular consequence: missense variant.
Genome position (GRCh38, 1-based): chr2:178,770,060, T>G on the plus strand (A>C on the coding strand, the complement: TTN is on the minus strand). VCF-style: chr2-178770060-T-G. GRCh37 (hg19) VCF-style: chr2-179634787-T-G.
Other names: p.T2881P:ACA>CCA; c.8641A>C, p.Thr2881Pro (NM_001256850.1, NM_133378.4, NM_133379.5); c.8503A>C, p.Thr2835Pro (NM_003319.4, NM_133432.3, NM_133437.4); short protein forms T2881P, T2835P.
Identifiers: ClinVar variation 202344 (VCV000202344.11), dbSNP rs546667760, ClinGen allele CA309154.

ClinVar aggregate classification (germline): Likely benign (1 of 4 stars; one submission).

Allele frequency attached by ClinVar (database versions not stated): TOPMed 0.00001; 1000 Genomes Project 30x 0.00031; 1000 Genomes Project 0.00040.

Submission:

GeneDx
Classification: Likely benign. Last evaluated: 2012-08-31. Review status: criteria provided, single submitter. Criteria: GeneDx Variant Classification (06012015). Collection method: clinical testing. Allele origin: germline. Affected: yes.
Comment: This variant is considered likely benign or benign based on one or more of the following criteria: it is a conservative change, it occurs at a poorly conserved position in the protein, it is predicted to be benign by multiple in silico algorithms, and/or has population frequency not consistent with disease.